The following is an entry in ClinVar:

ClinVar aggregate classification (germline): Uncertain significance (1 of 4 stars; one submission).

Conditions:
SEMA3B-related disorder. Also called: SEMA3B-related condition.

gnomAD v4.1: 21 of 1,603,636 alleles (0.0013%); highest among the groups gnomAD compares: Non-Finnish European, 0.0017%; no homozygotes.

Submission:

PreventionGenetics, part of Exact Sciences
Classification: Uncertain significance for SEMA3B-related condition. Last evaluated: 2025-11-04. Review status: criteria provided, single submitter. Criteria: ACMG Guidelines, 2015. Collection method: clinical testing. Allele origin: germline.
Comment: The SEMA3B c.932C>T variant is predicted to result in the amino acid substitution p.Pro311Leu. To our knowledge, this variant has not been reported in the literature. This variant is reported in 0.0019% of alleles in individuals of European (Non-Finnish) descent in gnomAD. At this time, the clinical significance of this variant is uncertain due to the absence of conclusive functional and genetic evidence.

NM_001290060.2(SEMA3B):c.923-6C>T

Gene: SEMA3B (semaphorin 3B; plus strand). Cytogenetic location: 3p21.31.
Variant type: single nucleotide variant.
Coding change: c.923-6C>T on transcript NM_001290060.2 (MANE Select); 6 bases into the intron before coding-DNA position 923, C replaced by T.
Molecular consequence: intron variant. On other transcripts: missense variant (1).
Genome position (GRCh38, 1-based): chr3:50,273,753, C>T. VCF-style: chr3-50273753-C-T. GRCh37 (hg19) VCF-style: chr3-50311184-C-T.
Other names: c.932C>T, p.Pro311Leu (NM_001290061.1); c.923-6C>T (NM_001435958.1, NM_001435956.1, NM_001435957.1 and 2 more transcripts); c.-104-6C>T (NM_001290062.2); c.-107-6C>T (NM_001290063.2); short protein forms P311L.
Identifiers: ClinVar variation 4986566 (VCV004986566.1).